The following is an entry in ClinVar:

ClinVar aggregate classification (germline): Likely pathogenic (1 of 4 stars; one submission).

Conditions:
Mucopolysaccharidosis, MPS-III-B (MPS3B). Also called: N-ACETYL-ALPHA-D-GLUCOSAMINIDASE DEFICIENCY; NAGLU DEFICIENCY; SANFILIPPO SYNDROME B; MPS III B; Mucopolysaccharidosis type IIIB (Sanfilippo B); MPS IIIB (Sanfilippo Syndrome Type B). Identifiers: Orphanet 79270, MedGen C0086648, MONDO:0009656, OMIM 252920.
Charcot-Marie-Tooth disease axonal type 2V. Also called: CHARCOT-MARIE-TOOTH NEUROPATHY, TYPE 2V; CHARCOT-MARIE-TOOTH DISEASE, AXONAL, AUTOSOMAL DOMINANT, TYPE 2V. Identifiers: Orphanet 447964, MedGen C5569050, MONDO:0014665, OMIM 616491.

Submission:

Labcorp Genetics (formerly Invitae), Labcorp
Classification: Likely pathogenic for Charcot-Marie-Tooth disease axonal type 2V; Mucopolysaccharidosis, MPS-III-B. Last evaluated: 2022-08-04. Review status: criteria provided, single submitter. Criteria: Invitae Variant Classification Sherloc (09022015). Collection method: clinical testing. Allele origin: germline.
Comment: In summary, the currently available evidence indicates that the variant is pathogenic, but additional data are needed to prove that conclusively. Therefore, this variant has been classified as Likely Pathogenic. This variant disrupts the p.Asp312 amino acid residue in NAGLU. Other variant(s) that disrupt this residue have been determined to be pathogenic (PMID: 21204211, 32883051, 33747789). This suggests that this residue is clinically significant, and that variants that disrupt this residue are likely to be disease-causing. Advanced modeling of protein sequence and biophysical properties (such as structural, functional, and spatial information, amino acid conservation, physicochemical variation, residue mobility, and thermodynamic stability) performed at Invitae indicates that this missense variant is expected to disrupt NAGLU protein function. This variant has not been reported in the literature in individuals affected with NAGLU-related conditions. This variant is not present in population databases (gnomAD no frequency). This sequence change replaces aspartic acid, which is acidic and polar, with histidine, which is basic and polar, at codon 312 of the NAGLU protein (p.Asp312His).

Literature cited by the submitters: PubMed 21204211; PubMed 32883051; PubMed 33747789.

NM_000263.4(NAGLU):c.934G>C (p.Asp312His)

Gene: NAGLU (N-acetyl-alpha-glucosaminidase; plus strand). Cytogenetic location: 17q21.2.
Variant type: single nucleotide variant.
Coding change: c.934G>C on transcript NM_000263.4 (MANE Select); coding-DNA position 934, G replaced by C.
Protein change: p.Asp312His; replaces aspartic acid 312 with histidine.
Molecular consequence: missense variant.
Genome position (GRCh38, 1-based): chr17:42,541,119, G>C. VCF-style: chr17-42541119-G-C. GRCh37 (hg19) VCF-style: chr17-40693137-G-C.
Other names: short protein forms D312H.
Identifiers: ClinVar variation 2021561 (VCV002021561.4), dbSNP rs1052471595, ClinGen allele CA399600242.
Genomic context (GRCh38, chr17:42,541,119, plus strand): 5'-GGGAGCCTCTTCCTGCGAGAGCTGATCAAAGAGTTTGGCACAGACCACATCTATGGGGCC[G>C]ACACTTTCAATGAGATGCAGCCACCTTCCTCAGAGCCCTCCTACCTTGCCGCAGCCACCA-3'
Protein context (NP_000254.2, residues 302-322): EFGTDHIYGA[Asp312His]TFNEMQPPSS